The following is an entry in ClinVar:

NM_000535.7(PMS2):c.180C>G (p.Asp60Glu)

Gene: PMS2 (PMS1 homolog 2, mismatch repair system component; minus strand). Cytogenetic location: 7p22.1.
Variant type: single nucleotide variant.
Coding change: c.180C>G on transcript NM_000535.7 (MANE Select); coding-DNA position 180, C replaced by G.
Protein change: p.Asp60Glu; replaces aspartic acid 60 with glutamic acid.
Molecular consequence: missense variant. On other transcripts: 5 prime UTR variant (11), non-coding transcript variant (1).
Genome position (GRCh38, 1-based): chr7:6,004,042, G>C on the plus strand (C>G on the coding strand, the complement: PMS2 is on the minus strand). VCF-style: chr7-6004042-G-C. GRCh37 (hg19) VCF-style: chr7-6043673-G-C.
Other names: p.D60E:GAC>GAG; c.-226C>G (NM_001322003.2, NM_001322004.2, NM_001322005.2 and 3 more transcripts); c.180C>G, p.Asp60Glu (NM_001322006.2, NM_001322014.2); c.-36C>G (NM_001322007.2, NM_001322008.2); c.-705C>G (NM_001322011.2, NM_001322012.2); c.-305C>G (NM_001322015.2); short protein forms D60E.
Identifiers: ClinVar variation 91315 (VCV000091315.80), dbSNP rs200313585, ClinGen allele CA010288.

ClinVar aggregate classification (germline): Likely benign. Review status: reviewed by expert panel (3 of 4 stars). 26 submissions from 26 submitters: Likely benign (1). 25 of the submissions do not count toward it. Last evaluated 2013-09-05.

Conditions:
Inherited MMR deficiency (Lynch syndrome).
Hereditary nonpolyposis colorectal neoplasms. Identifiers: MedGen C0009405, MeSH D003123.
Hereditary cancer-predisposing syndrome. Also called: Hereditary Cancer Syndrome; Tumor predisposition; Neoplastic Syndromes, Hereditary; Hereditary neoplastic syndrome. Identifiers: Orphanet 140162, MedGen C0027672, MeSH D009386, MONDO:0015356.
Breast and/or ovarian cancer. Identifiers: MedGen CN221562.
Lynch syndrome. Identifiers: Orphanet 144, MedGen C4552100, MONDO:0005835. Disease mechanism: loss of function.
Lynch syndrome 4 (LYNCH4). Also called: Colorectal cancer, hereditary nonpolyposis, type 4; Hereditary non-polyposis colorectal cancer, type 4. Identifiers: Orphanet 144, MedGen C1838333, MONDO:0013699, OMIM 614337. Disease mechanism: loss of function.

Allele frequency attached by ClinVar (database versions not stated): TOPMed 0.00036; ESP Exome Variant Server 0.00046; gnomAD exomes 0.00072 and 0.00092; gnomAD 0.00085 and 0.00088; ExAC 0.00102.
gnomAD v4.1: 1,159 of 1,586,516 alleles (0.073%); highest among the groups gnomAD compares: Non-Finnish European, 0.061%; 2 homozygotes.

Submissions 1 to 17 of 26:

International Society for Gastrointestinal Hereditary Tumours (InSiGHT)
Classification: Likely benign for Lynch Syndrome. Last evaluated: 2013-09-05. Review status: reviewed by expert panel. Criteria: Guidelines v1.9. Collection method: research. Allele origin: germline.
Comment: Multifactorial likelihood analysis posterior probability 0.001-0.049

Classified with v1.9 guidelines

CeGaT Center for Human Genetics Tuebingen
Classification: Likely benign. Last evaluated: 2026-05-01. Review status: criteria provided, single submitter. Criteria: CeGaT Center For Human Genetics Tuebingen Variant Classification Criteria Version 2. Collection method: clinical testing. Allele origin: germline. Affected: yes. Observed: 8 variant alleles. Not counted in ClinVar's aggregate classification.
Comment: PMS2: BP1, BS3:Supporting, BS1

Labcorp Genetics (formerly Invitae), Labcorp
Classification: Benign for Hereditary nonpolyposis colorectal neoplasms. Last evaluated: 2026-02-04. Review status: criteria provided, single submitter. Criteria: Invitae Variant Classification Sherloc (09022015). Collection method: clinical testing. Allele origin: germline. Not counted in ClinVar's aggregate classification.

Dasa
Classification: Likely benign. Last evaluated: 2025-11-27. Review status: criteria provided, single submitter. Criteria: DASA Assertion Criteria. Collection method: clinical testing. Allele origin: germline. Not counted in ClinVar's aggregate classification.
Comment: NM_000535.7(PMS2):c.180C>G (p.Asp60Glu) is interpreted based on available population and clinical evidence, including population frequency and no convincing observation in affected individuals. Based on the available data, this variant is classified as likely benign.

Cambridge Genomics Laboratory, East Genomic Laboratory Hub, NHS Genomic Medicine Service
Classification: Likely benign for Inherited MMR deficiency (Lynch syndrome). Last evaluated: 2025-11-12. Review status: criteria provided, single submitter. Criteria: ACGS Best Practice Guidelines for Variant Classification in Rare Disease 2020. Collection method: clinical testing. Allele origin: germline. Affected: yes. Not counted in ClinVar's aggregate classification.
Comment: BS1_Strong,BP4

Center for Genomic Medicine, Rigshospitalet, Copenhagen University Hospital
Classification: Likely benign. Last evaluated: 2025-03-04. Review status: criteria provided, single submitter. Criteria: ACMG Guidelines, 2015. Collection method: clinical testing. Allele origin: germline. Not counted in ClinVar's aggregate classification.

Laboratory of Genetics, Children's Clinical University Hospital Latvia
Classification: Benign. Last evaluated: 2025-02-16. Review status: criteria provided, single submitter. Criteria: ACMG Guidelines, 2015. Collection method: clinical testing. Allele origin: germline. Affected: yes. Not counted in ClinVar's aggregate classification.

Institute for Biomarker Research, Medical Diagnostic Laboratories, L.L.C.
Classification: Benign for Hereditary cancer-predisposing syndrome. Last evaluated: 2025-01-27. Review status: criteria provided, single submitter. Criteria: ACMG Guidelines, 2015. Collection method: clinical testing. Allele origin: germline. Not counted in ClinVar's aggregate classification.
Comment: The missense variant NM_001322014.2(PMS2):c.180C>G (p.Asp60Glu) has been reported to ClinVar as Likely benign with a status of (3 stars) reviewed by expert panel (Variation ID 91315 as of 2025-01-02). There is a small physicochemical difference between aspartic acid and glutamic acid, which is not likely to impact secondary protein structure as these residues share similar properties. The p.Asp60Glu variant is not predicted to disrupt the existing acceptor splice site The p.Asp60Glu missense variant is predicted to be tolerated by both SIFT or PolyPhen2. The glutamic acid residue at codon 60 of PMS2 is present in Domestic goat and 4 other mammalian species. The nucleotide c.180 in PMS2 is not conserved according to a GERP++ and PhyloP analysis of 100 vertebrates. For these reasons, this variant has been classified as Benign.

Myriad Genetics, Inc.
Classification: Benign for Lynch syndrome 4. Last evaluated: 2025-01-24. Review status: criteria provided, single submitter. Criteria: Myriad Autosomal Dominant, Autosomal Recessive and X-Linked Classification Criteria (2023). Collection method: clinical testing. Allele origin: unknown. Not counted in ClinVar's aggregate classification.
Comment: This variant is considered benign. This variant has been observed at a population frequency that is significantly greater than expected given the associated disease prevalence and penetrance.

Mayo Clinic Laboratories, Mayo Clinic
Classification: Likely benign. Last evaluated: 2024-12-22. Review status: criteria provided, single submitter. Criteria: ACMG Guidelines, 2015. Collection method: clinical testing. Allele origin: germline. Observed: 2 variant alleles. Not counted in ClinVar's aggregate classification.
Comment: BS1, BP4

Color Diagnostics, LLC DBA Color Health
Classification: Likely benign for Hereditary cancer-predisposing syndrome. Last evaluated: 2024-10-17. Review status: criteria provided, single submitter. Criteria: ACMG Guidelines, 2015. Collection method: clinical testing. Allele origin: germline. Not counted in ClinVar's aggregate classification.

Blueprint Genetics
Classification: Likely benign. Last evaluated: 2024-10-14. Review status: criteria provided, single submitter. Criteria: ACMG Guidelines, 2015. Collection method: clinical testing. Allele origin: germline. Not counted in ClinVar's aggregate classification.

ARUP Laboratories, Molecular Genetics and Genomics, ARUP Laboratories
Classification: Likely benign. Last evaluated: 2024-03-07. Review status: criteria provided, single submitter. Criteria: ARUP Molecular Germline Variant Investigation Process 2024. Collection method: clinical testing. Allele origin: germline. Not counted in ClinVar's aggregate classification.

Women's Health and Genetics/Laboratory Corporation of America, LabCorp
Classification: Benign. Last evaluated: 2023-03-27. Review status: criteria provided, single submitter. Criteria: LabCorp Variant Classification Summary - May 2015. Collection method: clinical testing. Allele origin: germline. Not counted in ClinVar's aggregate classification.
Comment: Variant summary: PMS2 c.180C>G (p.Asp60Glu) results in a conservative amino acid change located in the DNA mismatch repair protein family, N-terminal domain (IPR002099) of the encoded protein sequence. Three of five in-silico tools predict a benign effect of the variant on protein function. The variant allele was found at a frequency of 0.00095 in 281538 control chromosomes, predominantly at a frequency of 0.00075 within the Non-Finnish European subpopulation in the gnomAD database, including 1 homozygote. The observed variant frequency within Non-Finnish European control individuals in the gnomAD database is approximately 11 fold of the estimated maximal expected allele frequency for a pathogenic variant in PMS2 causing Hereditary Nonpolyposis Colorectal Cancer phenotype (7.1e-05), strongly suggesting that the variant is a benign polymorphism found primarily in populations of Non-Finnish European origin. However, this data must be interpreted with caution as there is high homology to a pseudogene, which may artificially inflate the allele frequency. c.180C>G has been reported in the literature in individuals affected with Lynch Syndrome or prostate cancer (Grant_2015, van der Klift_2016, Mateo_2020). These reports do not provide unequivocal conclusions about association of the variant with Hereditary Nonpolyposis Colorectal Cancer. Functional studies showed that this variant was not associated with aberrant splicing (van der Klift_2015) and MMR efficiency at 70% of the wild-type levels (Drost_2013). Multiple ClinVar submissions (evaluation after 2014) cite the variant as benign and likely benign. Based on the evidence outlined above, the variant was classified as benign.

Genetic Services Laboratory, University of Chicago
Classification: Benign. Last evaluated: 2021-08-24. Review status: criteria provided, single submitter. Criteria: ACMG Guidelines, 2015. Collection method: clinical testing. Allele origin: germline. Affected: no. Not counted in ClinVar's aggregate classification.

Sema4
Classification: Benign for Hereditary cancer-predisposing syndrome. Last evaluated: 2020-10-28. Review status: criteria provided, single submitter. Criteria: Sema4 Curation Guidelines. Collection method: curation. Allele origin: germline. Not counted in ClinVar's aggregate classification.

GeneDx
Classification: Likely benign. Last evaluated: 2020-09-30. Review status: criteria provided, single submitter. Criteria: GeneDx Variant Classification Process June 2021. Collection method: clinical testing. Allele origin: germline. Affected: yes. Not counted in ClinVar's aggregate classification.
Comment: This variant is associated with the following publications: (PMID: 26247049, 24027009, 26336887, 27435373)